The following is an entry in ClinVar:

ClinVar aggregate classification (germline): Uncertain significance (1 of 4 stars; one submission).

Conditions:
Dilated cardiomyopathy 1G (CMD1G). Identifiers: Orphanet 154, MedGen C1858763, MONDO:0011400, OMIM 604145.
Autosomal recessive limb-girdle muscular dystrophy type 2J (LGMDR10). Also called: Limb-girdle muscular dystrophy, type 2J; MUSCULAR DYSTROPHY, LIMB-GIRDLE, AUTOSOMAL RECESSIVE 10. Identifiers: Orphanet 140922, MedGen C1837342, MONDO:0012127, OMIM 608807.

Submission:

Labcorp Genetics (formerly Invitae), Labcorp
Classification: Uncertain significance for Dilated cardiomyopathy 1G; Autosomal recessive limb-girdle muscular dystrophy type 2J. Last evaluated: 2023-06-05. Review status: criteria provided, single submitter. Criteria: Invitae Variant Classification Sherloc (09022015). Collection method: clinical testing. Allele origin: germline.
Comment: This variant is located in the M band of TTN (PMID: 25589632). Variants in this region may be relevant for neuromuscular disorders, but have not been definitively shown to cause cardiomyopathy (PMID: 23975875). This sequence change replaces valine, which is neutral and non-polar, with leucine, which is neutral and non-polar, at codon 34106 of the TTN protein (p.Val34106Leu). In summary, the available evidence is currently insufficient to determine the role of this variant in disease. Therefore, it has been classified as a Variant of Uncertain Significance. This variant has not been reported in the literature in individuals affected with TTN-related conditions. This variant is not present in population databases (gnomAD no frequency). Experimental studies and prediction algorithms are not available or were not evaluated, and the functional significance of this variant is currently unknown.

Literature cited by the submitters: PubMed 25589632; PubMed 23975875.

NM_001267550.2(TTN):c.102316G>C (p.Val34106Leu)

Genes: TTN-AS1 (TTN antisense RNA 1; plus strand), TTN (titin; minus strand). Cytogenetic location: 2q31.2.
Variant type: single nucleotide variant.
Coding change: c.102316G>C on transcript NM_001267550.2 (MANE Select); coding-DNA position 102316, G replaced by C.
Protein change: p.Val34106Leu; replaces valine 34106 with leucine.
Molecular consequence: missense variant.
Genome position (GRCh38, 1-based): chr2:178,534,299, C>G on the plus strand (G>C on the coding strand, the complement: TTN is on the minus strand). VCF-style: chr2-178534299-C-G. GRCh37 (hg19) VCF-style: chr2-179399026-C-G.
Other names: c.97393G>C, p.Val32465Leu (NM_001256850.1); c.75121G>C, p.Val25041Leu (NM_003319.4); c.94612G>C, p.Val31538Leu (NM_133378.4); c.75496G>C, p.Val25166Leu (NM_133432.3); c.75697G>C, p.Val25233Leu (NM_133437.4); short protein forms V25041L, V31538L, V34106L, V25233L, V32465L, V25166L.
Identifiers: ClinVar variation 2948577 (VCV002948577.3), dbSNP rs780748204, ClinGen allele CA349417894.